The following is an entry in ClinVar:

NM_000540.3(RYR1):c.3658G>A (p.Glu1220Lys)

Gene: RYR1 (ryanodine receptor 1; plus strand). Cytogenetic location: 19q13.2.
Variant type: single nucleotide variant.
Coding change: c.3658G>A on transcript NM_000540.3 (MANE Select); coding-DNA position 3658, G replaced by A.
Protein change: p.Glu1220Lys; replaces glutamic acid 1220 with lysine.
Molecular consequence: missense variant.
Genome position (GRCh38, 1-based): chr19:38,469,406, G>A. VCF-style: chr19-38469406-G-A. GRCh37 (hg19) VCF-style: chr19-38960046-G-A.
Other names: c.3658G>A, p.Glu1220Lys (NM_001042723.2); short protein forms E1220K.
Identifiers: ClinVar variation 1021784 (VCV001021784.11), dbSNP rs757687986, ClinGen allele CA065082.
Genomic context (GRCh38, chr19:38,469,406, plus strand): 5'-CATCTGAACCTGGGCCAGGACGTGAGCTCTCTGAGGTTCTTTGCCATCTGTGGCCTCCAG[G>A]AAGGCTTCGAGCCATTTGCCATCAACATGCAGCGCCCAGTCACCACCTGGTTCAGCAAAG-3'
Protein context (NP_000531.2, residues 1210-1230): LRFFAICGLQ[Glu1220Lys]GFEPFAINMQ

ClinVar aggregate classification (germline): Uncertain significance. Review status: criteria provided, multiple submitters, no conflicts (2 of 4 stars). 2 submissions from 2 submitters: Uncertain significance (2). Last evaluated 2021-08-26.

Conditions:
Malignant hyperthermia, susceptibility to, 1 (MHS1). Also called: RYR1-Related Malignant Hyperthermia Susceptibility; Malignant hyperthermia suceptibility 1; Anesthesia related hyperthermia; Malignant hyperpyrexia; Fulminating hyperpyrexia; Pharmacogenic myopathy. Identifiers: Orphanet 423, MedGen C2930980, MONDO:0007783, OMIM 145600.
Congenital multicore myopathy with external ophthalmoplegia (CMYO1B). Also called: Minicore myopathy with external ophthalmoplegia; MULTIMINICORE DISEASE WITH EXTERNAL OPHTHALMOPLEGIA; Congenital myopathy 1B, autosomal recessive; Minicore myopathy; MULTICORE MYOPATHY. Identifiers: Orphanet 598, Orphanet 98905, MedGen C1850674, MONDO:0009712, OMIM 255320, HP:0003789.
King Denborough syndrome (KDS). Identifiers: MedGen C1840365, MONDO:0020485, OMIM 619542.
Congenital myopathy with fiber type disproportion. Also called: Congenital fiber-type disproportion; Congenital fiber-type disproportion myopathy. Identifiers: Orphanet 2020, MedGen C0546264, MONDO:0009711. Inheritance: all.
Central core myopathy (CMYO1A). Also called: Central core disease; Myopathy, central fibrillar; CONGENITAL MYOPATHY 1A, AUTOSOMAL DOMINANT, WITH SUSCEPTIBILITY TO MALIGNANT HYPERTHERMIA. Identifiers: Orphanet 597, MedGen C5830701, MONDO:0007294, OMIM 117000.
RYR1-related disorder. Also called: RYR1-related disorders; RYR1-related condition. Identifiers: MedGen CN239331.

Allele frequency attached by ClinVar (database versions not stated): gnomAD exomes below 0.00001; ExAC 0.00001.
gnomAD v4.1: 1 of 1,614,116 alleles (0.000062%); highest among the groups gnomAD compares: Non-Finnish European, 0.000085%; no homozygotes.

Submissions (2):

Labcorp Genetics (formerly Invitae), Labcorp
Classification: Uncertain significance for RYR1-related disorder. Last evaluated: 2021-08-26. Review status: criteria provided, single submitter. Criteria: Invitae Variant Classification Sherloc (09022015). Collection method: clinical testing. Allele origin: germline.
Comment: This sequence change replaces glutamic acid with lysine at codon 1220 of the RYR1 protein (p.Glu1220Lys). The glutamic acid residue is highly conserved and there is a small physicochemical difference between glutamic acid and lysine. This variant is present in population databases (rs757687986, ExAC 0.002%). This variant has not been reported in the literature in individuals affected with RYR1-related conditions. Algorithms developed to predict the effect of missense changes on protein structure and function are either unavailable or do not agree on the potential impact of this missense change (SIFT: "Deleterious"; PolyPhen-2: "Probably Damaging"; Align-GVGD: "Class C0"). In summary, the available evidence is currently insufficient to determine the role of this variant in disease. Therefore, it has been classified as a Variant of Uncertain Significance.

Fulgent Genetics
Classification: Uncertain significance for Central core myopathy; Malignant hyperthermia, susceptibility to, 1; Congenital myopathy 4A, autosomal dominant; Congenital multicore myopathy with external ophthalmoplegia; King Denborough syndrome. Last evaluated: 2021-08-23. Review status: criteria provided, single submitter. Criteria: ACMG Guidelines, 2015. Collection method: clinical testing. Allele origin: unknown.